The following is an entry in ClinVar:

ClinVar aggregate classification (germline): Conflicting classifications of pathogenicity. Review status: criteria provided, conflicting classifications (1 of 4 stars). 2 submissions from 2 submitters: Uncertain significance (1); Likely benign (1). Last evaluated 2025-09-09.

Conditions:
Familial adenomatous polyposis 2. Also called: ADENOMAS, MULTIPLE COLORECTAL, AUTOSOMAL RECESSIVE; MUTYH Polyposis; MUTYH-related attenuated familial adenomatous polyposis; Adenomas, multiple colorectal; MUTYH-associated polyposis; COLORECTAL ADENOMATOUS POLYPOSIS, AUTOSOMAL RECESSIVE. Identifiers: Orphanet 220460, Orphanet 247798, MedGen C3272841, MONDO:0012041, OMIM 608456.
Hereditary cancer-predisposing syndrome. Also called: Hereditary neoplastic syndrome; Hereditary Cancer Syndrome; Tumor predisposition; Neoplastic Syndromes, Hereditary. Identifiers: Orphanet 140162, MedGen C0027672, MeSH D009386, MONDO:0015356.

Submissions (2):

Ambry Genetics
Classification: Likely benign for Hereditary cancer-predisposing syndrome. Last evaluated: 2025-09-09. Review status: criteria provided, single submitter. Criteria: Ambry Variant Classification Scheme 2023. Collection method: clinical testing. Allele origin: germline.

St. Jude Molecular Pathology, St. Jude Children's Research Hospital
Classification: Uncertain significance for Familial adenomatous polyposis 2. Last evaluated: 2022-07-18. Review status: criteria provided, single submitter. Criteria: St. Jude Assertion Criteria 2020. Collection method: clinical testing. Allele origin: germline.
Comment: The MUYTH c.1574G>A (p.Gly525Asp) missense variant is absent in gnomAD v2.1.1. The in silico tool REVEL predicts a benign effect on protein function, but to our knowledge this prediction has not been confirmed by functional studies. To our knowledge, this variant has not been reported in individuals with MUTYH-associated polyposis. In summary, the evidence currently available is insufficient to determine the clinical significance of this variant. It has therefore been classified as of uncertain significance.

NM_001048174.2(MUTYH):c.1490G>A (p.Gly497Asp)

Gene: MUTYH (mutY DNA glycosylase; minus strand). Cytogenetic location: 1p34.1.
Variant type: single nucleotide variant.
Coding change: c.1490G>A on transcript NM_001048174.2 (MANE Select); coding-DNA position 1490, G replaced by A.
Protein change: p.Gly497Asp; replaces glycine 497 with aspartic acid.
Molecular consequence: missense variant. On other transcripts: non-coding transcript variant (2).
Genome position (GRCh38, 1-based): chr1:45,329,382, C>T on the plus strand (G>A on the coding strand, the complement: MUTYH is on the minus strand). VCF-style: chr1-45329382-C-T. GRCh37 (hg19) VCF-style: chr1-45795054-C-T.
Other names: c.1490G>A, p.Gly497Asp (NM_001048171.2, NM_001048173.2, NM_001293195.2 and 6 more transcripts); c.1493G>A, p.Gly498Asp (NM_001048172.2, NM_001407086.1, NM_001407071.1 and 1 more transcripts); c.1574G>A, p.Gly525Asp (NM_001128425.2); c.1535G>A, p.Gly512Asp (NM_001293190.2); c.1523G>A, p.Gly508Asp (NM_001293191.2, NM_001407069.1, NM_001407077.1); c.1214G>A, p.Gly405Asp (NM_001293192.2, NM_001293196.2, NM_001407091.1); c.1145G>A, p.Gly382Asp (NM_001350650.2, NM_001350651.2, NM_001407082.1); c.1532G>A, p.Gly511Asp (NM_001407083.1, NM_001407085.1); and 5 more; short protein forms G382D, G405D, G469D, G483D, G484D, G497D, G498D, G504D.
Identifiers: ClinVar variation 1710967 (VCV001710967.4), dbSNP rs2149088707, ClinGen allele CA340131740.